The following is an entry in ClinVar:

ClinVar aggregate classification (germline): Uncertain significance (1 of 4 stars; one submission).

Conditions:
Fanconi anemia (FA). Also called: Fanconi's anemia. Identifiers: Orphanet 84, MedGen C0015625, MeSH D005199, MONDO:0019391.

Submission:

Labcorp Genetics (formerly Invitae), Labcorp
Classification: Uncertain significance for Fanconi anemia. Last evaluated: 2025-12-08. Review status: criteria provided, single submitter. Criteria: Invitae Variant Classification Sherloc (09022015). Collection method: clinical testing. Allele origin: germline.
Comment: This sequence change replaces valine, which is neutral and non-polar, with alanine, which is neutral and non-polar, at codon 565 of the FANCB protein (p.Val565Ala). This variant is not present in population databases (gnomAD no frequency). This variant has not been reported in the literature in individuals affected with FANCB-related conditions. ClinVar contains an entry for this variant (Variation ID: 1997538). Invitae Evidence Modeling of protein sequence and biophysical properties (such as structural, functional, and spatial information, amino acid conservation, physicochemical variation, residue mobility, and thermodynamic stability) indicates that this missense variant is not expected to disrupt FANCB protein function with a negative predictive value of 80%. In summary, the available evidence is currently insufficient to determine the role of this variant in disease. Therefore, it has been classified as a Variant of Uncertain Significance.

NM_001018113.3(FANCB):c.1694T>C (p.Val565Ala)

Gene: FANCB (FA complementation group B; minus strand). Cytogenetic location: Xp22.2.
Variant type: single nucleotide variant.
Coding change: c.1694T>C on transcript NM_001018113.3 (MANE Select); coding-DNA position 1694, T replaced by C.
Protein change: p.Val565Ala; replaces valine 565 with alanine.
Molecular consequence: missense variant.
Genome position (GRCh38, 1-based): chrX:14,845,089, A>G on the plus strand (T>C on the coding strand, the complement: FANCB is on the minus strand). VCF-style: chrX-14845089-A-G. GRCh37 (hg19) VCF-style: chrX-14863211-A-G.
Other names: c.1694T>C, p.Val565Ala (NM_001324162.2, NM_001410764.1, NM_152633.4); short protein forms V565A.
Identifiers: ClinVar variation 1997538 (VCV001997538.4), dbSNP rs2518953678, ClinGen allele CA412439829.
Genomic context (GRCh38, chrX:14,845,089, plus strand): 5'-GAAAGAGATGTTACAGCAGTAATTATCTGTACACACTCTTTCTTAGATGGGTGTTCACAA[A>G]CAAAGCTTTCCTCTTTCTTGCTATCAGGGGTCAACGTGACCCTTTTTGCTTCCAATCCTA-3'
Protein context (NP_001018123.1, residues 555-575): TPDSKKEESF[Val565Ala]CEHPSKKECV